The following is an entry in ClinVar:

ClinVar aggregate classification (germline): Uncertain significance. Review status: criteria provided, multiple submitters, no conflicts (2 of 4 stars). 3 submissions from 3 submitters: Uncertain significance (3). Last evaluated 2025-11-12.

Conditions:
Hyperkalemic periodic paralysis. Also called: Familial hyperkalemic periodic paralysis; Gamstorp disease. Identifiers: Orphanet 682, MedGen C0238357, MONDO:0008224, OMIM 170500, HP:0007215.
Inborn genetic diseases. Identifiers: MedGen C0950123, MeSH D030342.

Allele frequency attached by ClinVar (database versions not stated): gnomAD exomes below 0.00001; gnomAD 0.00001 and 0.00002; TOPMed 0.00001.
gnomAD v4.1: 7 of 1,613,706 alleles (0.00043%); highest among the groups gnomAD compares: African/African-American, 0.0093%; no homozygotes.

Submissions (3):

Ambry Genetics
Classification: Uncertain significance for Inborn genetic diseases. Last evaluated: 2025-11-12. Review status: criteria provided, single submitter. Criteria: Ambry Variant Classification Scheme 2023. Collection method: clinical testing. Allele origin: germline.

Mayo Clinic Laboratories, Mayo Clinic
Classification: Uncertain significance. Last evaluated: 2025-05-22. Review status: criteria provided, single submitter. Criteria: ACMG Guidelines, 2015. Collection method: clinical testing. Allele origin: germline. Observed: 1 variant allele.

Labcorp Genetics (formerly Invitae), Labcorp
Classification: Uncertain significance for Hyperkalemic periodic paralysis. Last evaluated: 2024-05-07. Review status: criteria provided, single submitter. Criteria: Invitae Variant Classification Sherloc (09022015). Collection method: clinical testing. Allele origin: germline.
Comment: This sequence change replaces valine, which is neutral and non-polar, with alanine, which is neutral and non-polar, at codon 1091 of the SCN4A protein (p.Val1091Ala). This variant is not present in population databases (gnomAD no frequency). This variant has not been reported in the literature in individuals affected with SCN4A-related conditions. ClinVar contains an entry for this variant (Variation ID: 1411599). Advanced modeling of protein sequence and biophysical properties (such as structural, functional, and spatial information, amino acid conservation, physicochemical variation, residue mobility, and thermodynamic stability) performed at Invitae indicates that this missense variant is not expected to disrupt SCN4A protein function with a negative predictive value of 95%. In summary, the available evidence is currently insufficient to determine the role of this variant in disease. Therefore, it has been classified as a Variant of Uncertain Significance.

NM_000334.4(SCN4A):c.3272T>C (p.Val1091Ala)

Genes: GH-LCR (growth hormone locus control region; plus strand), SCN4A (sodium voltage-gated channel alpha subunit 4; minus strand). Cytogenetic location: 17q23.3.
Variant type: single nucleotide variant.
Coding change: c.3272T>C on transcript NM_000334.4 (MANE Select); coding-DNA position 3272, T replaced by C.
Protein change: p.Val1091Ala; replaces valine 1091 with alanine.
Molecular consequence: missense variant.
Genome position (GRCh38, 1-based): chr17:63,947,936, A>G on the plus strand (T>C on the coding strand, the complement: SCN4A is on the minus strand). VCF-style: chr17-63947936-A-G. GRCh37 (hg19) VCF-style: chr17-62025296-A-G.
Other names: p.Val1091Ala; short protein forms V1091A.
Identifiers: ClinVar variation 1411599 (VCV001411599.8), dbSNP rs1470875535, ClinGen allele CA400621028.